The following is an entry in ClinVar:

NM_001481.3(DRC4):c.631G>C (p.Val211Leu)

Gene: DRC4 (dynein regulatory complex subunit 4; plus strand). Cytogenetic location: 16q24.3.
Variant type: single nucleotide variant.
Coding change: c.631G>C on transcript NM_001481.3 (MANE Select); coding-DNA position 631, G replaced by C.
Protein change: p.Val211Leu; replaces valine 211 with leucine.
Molecular consequence: missense variant.
Genome position (GRCh38, 1-based): chr16:90,036,461, G>C. VCF-style: chr16-90036461-G-C. GRCh37 (hg19) VCF-style: chr16-90102869-G-C.
Other names: c.382G>C, p.Val128Leu (NM_001286205.2); c.55G>C, p.Val19Leu (NM_001286208.2); c.556G>C, p.Val186Leu (NM_001286209.2); short protein forms V128L, V186L, V19L, V211L.
Identifiers: ClinVar variation 1058348 (VCV001058348.9), dbSNP rs756435150, ClinGen allele CA397465414.
Genomic context (GRCh38, chr16:90,036,461, plus strand): 5'-AAGAAGATGAAGATGCTGAGGGACGAACTCGACTTGCGGAGAAAGACTGAGCTCCACGAA[G>C]TGGAGGAGAGGAAGAATGGCCAGATCCACACGCTGATGCAGCGCCACGAGGAGGCCTTCA-3'
Protein context (NP_001472.1, residues 201-221): DLRRKTELHE[Val211Leu]EERKNGQIHT

ClinVar aggregate classification (germline): Uncertain significance (1 of 4 stars; one submission).

Conditions:
Primary ciliary dyskinesia 33. Also called: CILIARY DYSKINESIA, PRIMARY, 33, WITHOUT SITUS INVERSUS. Identifiers: Orphanet 244, MedGen C4225230, MONDO:0014750, OMIM 616726.

gnomAD v4.1: 3 of 1,613,878 alleles (0.00019%); highest among the groups gnomAD compares: Middle Eastern, 0.016%; no homozygotes.

Submission:

Labcorp Genetics (formerly Invitae), Labcorp
Classification: Uncertain significance for Primary ciliary dyskinesia 33. Last evaluated: 2022-01-16. Review status: criteria provided, single submitter. Criteria: Invitae Variant Classification Sherloc (09022015). Collection method: clinical testing. Allele origin: germline.
Comment: In summary, the available evidence is currently insufficient to determine the role of this variant in disease. Therefore, it has been classified as a Variant of Uncertain Significance. Algorithms developed to predict the effect of missense changes on protein structure and function (SIFT, PolyPhen-2, Align-GVGD) all suggest that this variant is likely to be tolerated. ClinVar contains an entry for this variant (Variation ID: 1058348). This variant has not been reported in the literature in individuals affected with GAS8-related conditions. This variant is present in population databases (no rsID available, gnomAD 0.007%). This sequence change replaces valine, which is neutral and non-polar, with leucine, which is neutral and non-polar, at codon 211 of the GAS8 protein (p.Val211Leu).